The following is an entry in ClinVar:

ClinVar aggregate classification (germline): Uncertain significance (1 of 4 stars; one submission).

Conditions:
Inborn genetic diseases. Identifiers: MedGen C0950123, MeSH D030342.

Submission:

Ambry Genetics
Classification: Uncertain significance for Inborn genetic diseases. Last evaluated: 2017-05-26. Review status: criteria provided, single submitter. Criteria: Ambry Variant Classification Scheme 2023. Collection method: clinical testing. Allele origin: germline.
Comment: The p.R440G variant (also known as c.1318A>G), located in coding exon 7 of the DYNC1H1 gene, results from an A to G substitution at nucleotide position 1318. The arginine at codon 440 is replaced by glycine, an amino acid with dissimilar properties. This amino acid position is highly conserved in available vertebrate species. In addition, the in silico prediction for this alteration is inconclusive. Since supporting evidence is limited at this time, the clinical significance of this alteration remains unclear.

NM_001376.5(DYNC1H1):c.1318A>G (p.Arg440Gly)

Gene: DYNC1H1 (dynein cytoplasmic 1 heavy chain 1; plus strand). Cytogenetic location: 14q32.31.
Variant type: single nucleotide variant.
Coding change: c.1318A>G on transcript NM_001376.5 (MANE Select); coding-DNA position 1318, A replaced by G.
Protein change: p.Arg440Gly; replaces arginine 440 with glycine.
Molecular consequence: missense variant.
Genome position (GRCh38, 1-based): chr14:101,983,466, A>G. VCF-style: chr14-101983466-A-G. GRCh37 (hg19) VCF-style: chr14-102449803-A-G.
Other names: short protein forms R440G.
Identifiers: ClinVar variation 590154 (VCV000590154.5), dbSNP rs1566997890, ClinGen allele CA391015206.